The following is an entry in ClinVar:

NM_000245.4(MET):c.2888-1G>C

Gene: MET (MET proto-oncogene, receptor tyrosine kinase; plus strand). Cytogenetic location: 7q31.2.
Variant type: single nucleotide variant.
Coding change: c.2888-1G>C on transcript NM_000245.4 (MANE Select); the canonical splice acceptor site of the intron before coding-DNA position 2888, G replaced by C.
Molecular consequence: splice acceptor variant.
Genome position (GRCh38, 1-based): chr7:116,771,848, G>C. VCF-style: chr7-116771848-G-C. GRCh37 (hg19) VCF-style: chr7-116411902-G-C.
Other names: c.2942-1G>C (NM_001127500.3); c.1598-1G>C (NM_001324402.2).
Identifiers: ClinVar variation 4827500 (VCV004827500.1).

ClinVar aggregate classification (germline): Uncertain significance (1 of 4 stars; one submission).

Conditions:
Hereditary cancer-predisposing syndrome. Also called: Neoplastic Syndromes, Hereditary; Tumor predisposition; Hereditary Cancer Syndrome; Hereditary neoplastic syndrome. Identifiers: Orphanet 140162, MedGen C0027672, MeSH D009386, MONDO:0015356.

gnomAD v4.1: 1 of 1,613,748 alleles (0.000062%); highest among the groups gnomAD compares: Non-Finnish European, 0.000085%; no homozygotes.

Submission:

Ambry Genetics
Classification: Uncertain significance for Hereditary cancer-predisposing syndrome. Last evaluated: 2026-03-11. Review status: criteria provided, single submitter. Criteria: Ambry Variant Classification Scheme 2023. Collection method: clinical testing. Allele origin: germline.
Comment: The c.2942-1G>C intronic variant results from a G to C substitution one nucleotide upstream from coding exon 13 of the MET gene. Variants that disrupt the canonical splice site are expected to cause aberrant splicing, resulting in an abnormal protein or a transcript that is subject to nonsense-mediated mRNA decay. However, loss of function has not been established as a mechanism of disease. Based on the available evidence, the clinical significance of this variant remains unclear.